The following is an entry in ClinVar:

ClinVar aggregate classification (germline): Uncertain significance (1 of 4 stars; one submission).

Conditions:
Charcot-Marie-Tooth disease dominant intermediate B (CMTDIB). Also called: Charcot-Marie-Tooth disease dominant intermediate 1; CMT DI1; Charcot-Marie-Tooth disease dominant intermediate I; CHARCOT-MARIE-TOOTH NEUROPATHY, DOMINANT INTERMEDIATE B. Identifiers: Orphanet 100044, Orphanet 228179, MedGen C1847902, MONDO:0011674, OMIM 606482.

Submission:

Labcorp Genetics (formerly Invitae), Labcorp
Classification: Uncertain significance for Charcot-Marie-Tooth disease dominant intermediate B. Last evaluated: 2021-04-21. Review status: criteria provided, single submitter. Criteria: Invitae Variant Classification Sherloc (09022015). Collection method: clinical testing. Allele origin: germline.
Comment: In summary, the available evidence is currently insufficient to determine the role of this variant in disease. Therefore, it has been classified as a Variant of Uncertain Significance. Experimental studies and prediction algorithms are not available or were not evaluated, and the functional significance of this variant is currently unknown. This variant has not been reported in the literature in individuals with DNM2-related conditions. This variant is present in population databases (rs752875857, ExAC 0.003%). This variant, c.1526_1528del, results in the deletion of 1 amino acid(s) of the DNM2 protein (p.Lys509del), but otherwise preserves the integrity of the reading frame.

NM_001005361.3(DNM2):c.1523AGA[1] (p.Lys509del)

Gene: DNM2 (dynamin 2; plus strand). Cytogenetic location: 19p13.2.
Variant type: Microsatellite.
Coding change: c.1523AGA[1] on transcript NM_001005361.3 (MANE Select); one copy of the 3-base unit AGA starting at c.1523; the reference has two copies in a row; one copy, 3 bases deleted.
Protein change: p.Lys509del; deletes lysine 509.
Molecular consequence: inframe deletion.
Genome position (GRCh38, 1-based): chr19:10,805,948-10,805,950, AGA deleted; deleting any 3 consecutive bases within chr19:10,805,944-10,805,950 gives the same sequence; the position shown is the placement nearest the transcript's 3' end. VCF-style (leftmost placement, unchanged base first): chr19-10805943-CAAG-C. GRCh37 (hg19) VCF-style: chr19-10916619-CAAG-C.
Other names: c.1523AGA[1], p.Lys509del (NM_001005360.3, NM_001005362.3, NM_001190716.2 and 1 more transcripts); short protein forms K509del.
Identifiers: ClinVar variation 1489659 (VCV001489659.8), dbSNP rs752875857, ClinGen allele CA9201212.
Genomic context (GRCh38, chr19:10,805,943, plus strand): 5'-TCCACGTGAACCCTGTCTGTTCTTTGGTTTCAGTGCCCAGCAGAGGAGCACGCAGCTGAA[CAAG>C]AAGAGAGCCATCCCCAATCAGGTAGCACACCCCTCTGCAGTCTCCCGCTCTACCCTGGGG-3'